The following is an entry in ClinVar:

NM_001128840.3(CACNA1D):c.5819C>G (p.Ser1940Cys)

Gene: CACNA1D (calcium voltage-gated channel subunit alpha1 D; plus strand). Cytogenetic location: 3p21.1.
Variant type: single nucleotide variant.
Coding change: c.5819C>G on transcript NM_001128840.3 (MANE Select); coding-DNA position 5819, C replaced by G.
Protein change: p.Ser1940Cys; replaces serine 1940 with cysteine.
Molecular consequence: missense variant.
Genome position (GRCh38, 1-based): chr3:53,808,718, C>G. VCF-style: chr3-53808718-C-G. GRCh37 (hg19) VCF-style: chr3-53842745-C-G.
Other names: c.5879C>G (NM_000720.3, NM_000720.2); c.5879C>G, p.Ser1960Cys (NM_000720.4); c.5747C>G, p.Ser1916Cys (NM_001128839.3); short protein forms S1940C, S1960C, S1916C.
Identifiers: ClinVar variation 1386394 (VCV001386394.8), dbSNP rs948083314, ClinGen allele CA74867796.

ClinVar aggregate classification (germline): Uncertain significance. Review status: criteria provided, multiple submitters, no conflicts (2 of 4 stars). 3 submissions from 3 submitters: Uncertain significance (3). Last evaluated 2026-08-22.

Conditions:
Inborn genetic diseases. Identifiers: MedGen C0950123, MeSH D030342.
CACNA1D-related disorder.

Allele frequency attached by ClinVar (database versions not stated): gnomAD exomes below 0.00001; gnomAD 0.00007; TOPMed 0.00018.
gnomAD v4.1: 16 of 1,609,158 alleles (0.00099%); highest among the groups gnomAD compares: Admixed American, 0.022%; no homozygotes.

Submissions (3):

PreventionGenetics, part of Exact Sciences
Classification: Uncertain significance for CACNA1D-related condition. Last evaluated: 2026-08-22. Review status: criteria provided, single submitter. Criteria: ACMG Guidelines, 2015. Collection method: clinical testing. Allele origin: germline.
Comment: The CACNA1D c.5879C>G variant is predicted to result in the amino acid substitution p.Ser1960Cys. To our knowledge, this variant has not been reported in the literature. This variant is reported in 0.0029% of alleles in individuals of Latino descent in gnomAD. At this time, the clinical significance of this variant is uncertain due to the absence of conclusive functional and genetic evidence.

Labcorp Genetics (formerly Invitae), Labcorp
Classification: Uncertain significance. Last evaluated: 2025-04-14. Review status: criteria provided, single submitter. Criteria: Invitae Variant Classification Sherloc (09022015). Collection method: clinical testing. Allele origin: germline.
Comment: This sequence change replaces serine, which is neutral and polar, with cysteine, which is neutral and slightly polar, at codon 1960 of the CACNA1D protein (p.Ser1960Cys). This variant is present in population databases (no rsID available, gnomAD 0.003%). This variant has not been reported in the literature in individuals affected with CACNA1D-related conditions. ClinVar contains an entry for this variant (Variation ID: 1386394). An algorithm developed to predict the effect of missense changes on protein structure and function (PolyPhen-2) suggests that this variant is likely to be disruptive. In summary, the available evidence is currently insufficient to determine the role of this variant in disease. Therefore, it has been classified as a Variant of Uncertain Significance.

Ambry Genetics
Classification: Uncertain significance for Inborn genetic diseases. Last evaluated: 2022-06-10. Review status: criteria provided, single submitter. Criteria: Ambry Variant Classification Scheme 2023. Collection method: clinical testing. Allele origin: germline.